The following is an entry in ClinVar:

ClinVar aggregate classification (germline): Conflicting classifications of pathogenicity. Review status: criteria provided, conflicting classifications (1 of 4 stars). 14 submissions from 12 submitters: Uncertain significance (2); Benign (1); Likely benign (8). 3 of the submissions do not count toward it. Last evaluated 2026-07-01.

Conditions:
Cardiovascular phenotype. Identifiers: MedGen CN230736.
MYH7-related disorder. Also called: MYH7-related disorders; MYH7-related condition; MYH7-related disease.
Hypertrophic cardiomyopathy 1 (CMH1). Also called: Familial hypertrophic cardiomyopathy 1; MYH7-Related Familial Hypertrophic Cardiomyopathy. Identifiers: MedGen C3495498, MONDO:0008647, OMIM 192600.
Hypertrophic cardiomyopathy. Also called: HYPERTROPHIC MYOCARDIOPATHY. Identifiers: Orphanet 217569, MedGen C0007194, MeSH D002312, MONDO:0005045, HP:0001639.
Myosin storage myopathy (CMYO7A). Also called: MYH7-related late-onset scapuloperoneal muscular dystrophy; Congenital myopathy 7A, myosin storage, autosomal dominant; MYOPATHY, HYALINE BODY, AUTOSOMAL DOMINANT; Scapuloperoneal myopathy, MYH7-related; MYOPATHY WITH LYSIS OF TYPE I MYOFIBRILS; SCAPULOPERONEAL MUSCULAR DYSTROPHY. Identifiers: Orphanet 437572, Orphanet 636965, MedGen C1842160, MONDO:0008409, OMIM 608358.
MYH7-related skeletal myopathy. Also called: Myopathy, distal, 1; MYOPATHY, DISTAL, EARLY-ONSET, AUTOSOMAL DOMINANT; MYOPATHY, LATE DISTAL HEREDITARY; Laing distal myopathy; Laing early-onset distal myopathy. Identifiers: Orphanet 59135, MedGen C4552004, MONDO:0008050, OMIM 160500.
Cardiomyopathy (CMYO). Also called: Cardiomyopathies. Identifiers: Orphanet 167848, MedGen C0878544, MONDO:0004994, HP:0001638. Inheritance: Various modes of inheritance.

Allele frequency attached by ClinVar (database versions not stated): TOPMed 0.00002.
gnomAD v4.1: 96 of 1,614,078 alleles (0.0059%); highest among the groups gnomAD compares: Non-Finnish European, 0.0075%; no homozygotes.

Submissions (14):

CeGaT Center for Human Genetics Tuebingen
Classification: Likely benign. Last evaluated: 2026-07-01. Review status: criteria provided, single submitter. Criteria: CeGaT Center For Human Genetics Tuebingen Variant Classification Criteria Version 2. Collection method: clinical testing. Allele origin: germline. Affected: yes. Observed: 3 variant alleles.
Comment: MYH7: BP4, BP7

Labcorp Genetics (formerly Invitae), Labcorp
Classification: Likely benign for Hypertrophic cardiomyopathy. Last evaluated: 2025-12-20. Review status: criteria provided, single submitter. Criteria: Invitae Variant Classification Sherloc (09022015). Collection method: clinical testing. Allele origin: germline.

Women's Health and Genetics/Laboratory Corporation of America, LabCorp
Classification: Likely benign. Last evaluated: 2025-03-28. Review status: criteria provided, single submitter. Criteria: LabCorp Variant Classification Summary - May 2015. Collection method: clinical testing. Allele origin: germline.

Laboratory of Genetics, Children's Clinical University Hospital Latvia
Classification: Likely benign. Last evaluated: 2025-02-16. Review status: criteria provided, single submitter. Criteria: ACMG Guidelines, 2015. Collection method: clinical testing. Allele origin: germline. Affected: yes.

All of Us Research Program, National Institutes of Health
Classification: Likely benign for Cardiomyopathy. Last evaluated: 2024-01-11. Review status: criteria provided, single submitter. Criteria: ACMG Guidelines, 2015. Collection method: clinical testing. Allele origin: germline. Inheritance: Autosomal dominant inheritance. Observed: 23 variant alleles, 23 heterozygotes.
Comment: This study involves interpretation of variants in research participants for the purpose of population health screening. Participant phenotype was not available at the time of variant classification. Additional details can be found in publication PMID: 35346344, PMCID: PMC8962531

Blueprint Genetics
Classification: Likely benign. Last evaluated: 2023-01-27. Review status: criteria provided, single submitter. Criteria: ACMG Guidelines, 2015. Collection method: clinical testing. Allele origin: germline.

Ambry Genetics
Classification: Likely benign for Cardiovascular phenotype. Last evaluated: 2022-03-12. Review status: criteria provided, single submitter. Criteria: Ambry Variant Classification Scheme 2023. Collection method: clinical testing. Allele origin: germline.

Color Diagnostics, LLC DBA Color Health
Classification: Likely benign for Cardiomyopathy. Last evaluated: 2018-11-18. Review status: criteria provided, single submitter. Criteria: ACMG Guidelines, 2015. Collection method: clinical testing. Allele origin: germline.

Illumina Laboratory Services, Illumina
Classification: Uncertain significance for Myosin storage myopathy. Last evaluated: 2017-04-27. Review status: criteria provided, single submitter. Criteria: ICSL Variant Classification Criteria 13 December 2019. Collection method: clinical testing. Allele origin: germline.

Illumina Laboratory Services, Illumina
Classification: Uncertain significance for Hypertrophic cardiomyopathy 1. Last evaluated: 2017-04-27. Review status: criteria provided, single submitter. Criteria: ICSL Variant Classification Criteria 13 December 2019. Collection method: clinical testing. Allele origin: germline.
Comment: This variant was observed as part of a predisposition screen in an ostensibly healthy population. A literature search was performed for the gene, cDNA change, and amino acid change (where applicable). Publications were found based on this search. However, the evidence from the literature, in combination with allele frequency data from public databases where available, was not sufficient to rule this variant in or out of causing disease. Therefore, this variant is classified as a variant of unknown significance.

Illumina Laboratory Services, Illumina
Classification: Benign for MYH7-related skeletal myopathy. Last evaluated: 2017-04-27. Review status: criteria provided, single submitter. Criteria: ICSL Variant Classification Criteria 13 December 2019. Collection method: clinical testing. Allele origin: germline.
Comment: This variant was observed as part of a predisposition screen in an ostensibly healthy population. A literature search was performed for the gene, cDNA change, and amino acid change (where applicable). No publications were found based on this search. Allele frequency data from public databases was too high to be consistent with this variant causing disease. Therefore, this variant is classified as benign.

PreventionGenetics, part of Exact Sciences
Classification: Likely benign for MYH7-related condition. Last evaluated: 2020-11-11. Review status: no assertion criteria provided. Collection method: clinical testing. Allele origin: germline. Not counted in ClinVar's aggregate classification.
Comment: This variant is classified as likely benign based on ACMG/AMP sequence variant interpretation guidelines (Richards et al. 2015 PMID: 25741868, with internal and published modifications).

Clinical Genetics, Academic Medical Center
Classification: Benign. Review status: no assertion criteria provided. Collection method: clinical testing. Allele origin: germline. Affected: yes. Study: VKGL Data-share Consensus. Not counted in ClinVar's aggregate classification.

Joint Genome Diagnostic Labs from Nijmegen and Maastricht, Radboudumc and MUMC+
Classification: Likely benign. Review status: no assertion criteria provided. Collection method: clinical testing. Allele origin: germline. Affected: yes. Study: VKGL Data-share Consensus. Not counted in ClinVar's aggregate classification.

Literature cited by the submitters: PubMed 20800588 (cited by Illumina Laboratory Services, Illumina).

NM_000257.4(MYH7):c.3789G>T (p.Ala1263=)

Gene: MYH7 (myosin heavy chain 7; minus strand). Cytogenetic location: 14q11.2.
Variant type: single nucleotide variant.
Coding change: c.3789G>T on transcript NM_000257.4 (MANE Select); coding-DNA position 3789, G replaced by T.
Protein change: p.Ala1263=; no amino-acid change (alanine 1263 retained).
Molecular consequence: synonymous variant.
Genome position (GRCh38, 1-based): chr14:23,419,547, C>A on the plus strand (G>T on the coding strand, the complement: MYH7 is on the minus strand). VCF-style: chr14-23419547-C-A. GRCh37 (hg19) VCF-style: chr14-23888756-C-A.
Identifiers: ClinVar variation 525118 (VCV000525118.34), dbSNP rs137918672, ClinGen allele CA038913.
Genomic context (GRCh38, chr14:23,419,547, plus strand): 5'-CTCGGTTTGCAACTTGGCCCGCTGGCTGGTGAGGTCGTTGACAGAACGCTGGGTCTCCTC[C>A]GCCTTGCTCCGGTGCTCATTCATCTGGTCTTCCAAGGTCCGGCACATCTTCTCCAGGTTA-3'
Protein context (NP_000248.2, residues 1253-1273): EDQMNEHRSK[Ala1263=]EETQRSVNDL